The following is an entry in ClinVar:

ClinVar aggregate classification (germline): Uncertain significance (1 of 4 stars; one submission).

Submission:

GeneDx
Classification: Uncertain significance. Last evaluated: 2023-12-20. Review status: criteria provided, single submitter. Criteria: GeneDx Variant Classification Process June 2021. Collection method: clinical testing. Allele origin: germline. Affected: yes.
Comment: In silico analysis supports that this missense variant has a deleterious effect on protein structure/function; No data available from control populations to assess the frequency of this variant; Has not been previously published as pathogenic or benign to our knowledge

NM_001099857.5(IKBKG):c.851T>G (p.Leu284Arg)

Gene: IKBKG (inhibitor of nuclear factor kappa B kinase regulatory subunit gamma; plus strand). Cytogenetic location: Xq28.
Variant type: single nucleotide variant.
Coding change: c.851T>G on transcript NM_001099857.5 (MANE Select); coding-DNA position 851, T replaced by G.
Protein change: p.Leu284Arg; replaces leucine 284 with arginine.
Molecular consequence: missense variant. On other transcripts: non-coding transcript variant (1), intron variant (1).
Genome position (GRCh38, 1-based): chrX:154,562,892, T>G. VCF-style: chrX-154562892-T-G. GRCh37 (hg19) VCF-style: chrX-153791107-T-G.
Other names: c.1055T>G, p.Leu352Arg (NM_001099856.6); c.851T>G, p.Leu284Arg (NM_001321396.3, NM_001377312.1, NM_003639.4); c.848T>G, p.Leu283Arg (NM_001321397.3, NM_001377313.1); c.695T>G, p.Leu232Arg (NM_001377314.1); c.482T>G, p.Leu161Arg (NM_001377315.1); c.616-667T>G (NM_001145255.4); short protein forms L161R, L232R, L283R, L284R, L352R.
Identifiers: ClinVar variation 3370134 (VCV003370134.1).
Genomic context (GRCh38, chrX:154,562,892, plus strand): 5'-AACAGCAGCTCCAGCAGGCCGAGGAGGCCCTGGTGGCCAAACAGGAGGTGATCGATAAGC[T>G]GAAGGAGGAGGCCGAGCAGCACAAGATTGTGATGGAGACCGTTCCGGTGCTGAAGGCCCA-3'
Protein context (NP_001093327.1, residues 274-294): LVAKQEVIDK[Leu284Arg]KEEAEQHKIV